The following is an entry in ClinVar:

ClinVar aggregate classification (germline): Conflicting classifications of pathogenicity. Review status: criteria provided, conflicting classifications (1 of 4 stars). 6 submissions from 6 submitters: Uncertain significance (3); Likely benign (3). Last evaluated 2025-04-01.

Conditions:
Hereditary cancer-predisposing syndrome. Also called: Hereditary neoplastic syndrome; Neoplastic Syndromes, Hereditary; Tumor predisposition; Hereditary Cancer Syndrome. Identifiers: Orphanet 140162, MedGen C0027672, MeSH D009386, MONDO:0015356.
Hereditary breast ovarian cancer syndrome. Also called: Hereditary breast and/or ovarian cancer syndrome; BRCA1- and BRCA2-Associated Hereditary Breast and Ovarian Cancer; Hereditary breast and ovarian cancer; Breast and ovarian cancer; Hereditary breast and ovarian cancer syndrome; Hereditary breast and ovarian cancer syndrome (HBOC). Identifiers: Orphanet 145, MedGen C0677776, MeSH D061325, MONDO:0003582. Disease mechanism: loss of function.
Breast-ovarian cancer, familial, susceptibility to, 2 (BROVCA2). Also called: BRCA2 Hereditary Breast and Ovarian Cancer. Identifiers: Orphanet 145, MedGen C2675520, MONDO:0012933, OMIM 612555. Disease mechanism: loss of function.

Allele frequency attached by ClinVar (database versions not stated): TOPMed below 0.00001; gnomAD 0.00001.
gnomAD v4.1: 3 of 1,613,390 alleles (0.00019%); highest among the groups gnomAD compares: Non-Finnish European, 0.00025%; no homozygotes.

Submissions (6):

Color Diagnostics, LLC DBA Color Health
Classification: Uncertain significance for Hereditary cancer-predisposing syndrome. Last evaluated: 2025-04-01. Review status: criteria provided, single submitter. Criteria: ACMG Guidelines, 2015. Collection method: clinical testing. Allele origin: germline.
Comment: This missense variant replaces asparagine with histidine at codon 1784 of the BRCA2 protein. Computational prediction suggests that this variant may not impact protein structure and function. To our knowledge, functional studies have not been reported for this variant. This variant has been reported in an individual affected with breast, ovarian, or pancreatic cancer (PMID: 27882536). In a large breast cancer case-control study conducted by the BRIDGES consortium, this variant was reported in 1/60466 cases and 1/53461 controls (PMID: 33471991; Leiden Open Variation Database DB-ID BRCA2_008330). This variant has not been identified in the general population by the Genome Aggregation Database (gnomAD). The available evidence is insufficient to determine the role of this variant in disease conclusively. Therefore, this variant is classified as a Variant of Uncertain Significance.

Ambry Genetics
Classification: Likely benign for Hereditary cancer-predisposing syndrome. Last evaluated: 2024-09-19. Review status: criteria provided, single submitter. Criteria: Ambry Variant Classification Scheme 2023. Collection method: clinical testing. Allele origin: germline.

Mendelics
Classification: Likely benign for Hereditary cancer-predisposing syndrome. Last evaluated: 2024-04-08. Review status: criteria provided, single submitter. Criteria: ACMG Guidelines, 2015. Collection method: clinical testing. Allele origin: unknown.

All of Us Research Program, National Institutes of Health
Classification: Uncertain significance for Breast-ovarian cancer, familial, susceptibility to, 2. Last evaluated: 2023-08-15. Review status: criteria provided, single submitter. Criteria: ACMG Guidelines, 2015. Collection method: clinical testing. Allele origin: germline. Inheritance: Autosomal dominant inheritance. Observed: 1 variant allele, 1 heterozygote.
Comment: This missense variant replaces asparagine with histidine at codon 1784 of the BRCA2 protein. Computational prediction suggests that this variant may not impact protein structure and function (internally defined REVEL score threshold <= 0.5, PMID: 27666373). To our knowledge, functional studies have not been reported for this variant. This variant has been reported in an individual affected with breast, ovarian, or pancreatic cancer (PMID:27882536). In a large breast cancer case-control study conducted by the BRIDGES consortium, this variant was reported in 1/60466 cases and 1/53461 controls (PMID: 33471991; Leiden Open Variation Database DB-ID BRCA2_008330). This variant has not been identified in the general population by the Genome Aggregation Database (gnomAD). The available evidence is insufficient to determine the role of this variant in disease conclusively. Therefore, this variant is classified as a Variant of Uncertain Significance.

This study involves interpretation of variants in research participants for the purpose of population health screening. Participant phenotype was not available at the time of variant classification. Additional details can be found in publication PMID: 35346344, PMCID: PMC8962531

University of Washington Department of Laboratory Medicine, University of Washington
Classification: Likely benign for Hereditary cancer-predisposing syndrome. Last evaluated: 2023-03-23. Review status: criteria provided, single submitter. Criteria: Dines et al. (Genet Med. 2020). Collection method: curation. Allele origin: germline.
Comment: Missense variant in a coldspot region where missense variants are very unlikely to be pathogenic (PMID:31911673).

BRCA2 exon 11 coldspot. Reclassification based on statistical prior probability.

Labcorp Genetics (formerly Invitae), Labcorp
Classification: Uncertain significance for Hereditary breast ovarian cancer syndrome. Last evaluated: 2022-06-03. Review status: criteria provided, single submitter. Criteria: Invitae Variant Classification Sherloc (09022015). Collection method: clinical testing. Allele origin: germline.
Comment: This sequence change replaces asparagine, which is neutral and polar, with histidine, which is basic and polar, at codon 1784 of the BRCA2 protein (p.Asn1784His). This variant is not present in population databases (gnomAD no frequency). This missense change has been observed in individual(s) with breast, ovarian, or pancreatic cancer (PMID: 27882536). ClinVar contains an entry for this variant (Variation ID: 462375). Advanced modeling of protein sequence and biophysical properties (such as structural, functional, and spatial information, amino acid conservation, physicochemical variation, residue mobility, and thermodynamic stability) performed at Invitae indicates that this missense variant is not expected to disrupt BRCA2 protein function. In summary, the available evidence is currently insufficient to determine the role of this variant in disease. Therefore, it has been classified as a Variant of Uncertain Significance.

Literature cited by the submitters: PubMed 27882536 (cited by 4 submitters); PubMed 33471991 (cited by Color Diagnostics, LLC DBA Color Health and All of Us Research Program, National Institutes of Health).

NM_000059.4(BRCA2):c.5350A>C (p.Asn1784His)

Gene: BRCA2 (BRCA2 DNA repair associated; plus strand). Cytogenetic location: 13q13.1.
Variant type: single nucleotide variant.
Coding change: c.5350A>C on transcript NM_000059.4 (MANE Select); coding-DNA position 5350, A replaced by C.
Protein change: p.Asn1784His; replaces asparagine 1784 with histidine.
Molecular consequence: missense variant.
Genome position (GRCh38, 1-based): chr13:32,339,705, A>C. VCF-style: chr13-32339705-A-C. GRCh37 (hg19) VCF-style: chr13-32913842-A-C.
Other names: short protein forms N1784H.
Identifiers: ClinVar variation 462375 (VCV000462375.21), dbSNP rs1308950771, ClinGen allele CA387785038.